The following is an entry in ClinVar:

ClinVar aggregate classification (germline): Conflicting classifications of pathogenicity. Review status: criteria provided, conflicting classifications (1 of 4 stars). 2 submissions from 2 submitters: Uncertain significance (1); Benign (1). Last evaluated 2022-07-19.

Conditions:
Kabuki syndrome 1 (KABUK1). Also called: KMT2D-Related Kabuki Syndrome. Identifiers: Orphanet 2322, MedGen CN030661, MONDO:0007843, OMIM 147920.
Kabuki syndrome. Also called: Kabuki make-up syndrome; NIIKAWA-KUROKI SYNDROME. Identifiers: Orphanet 2322, MedGen C0796004, MONDO:0016512.

Allele frequency attached by ClinVar (database versions not stated): gnomAD exomes below 0.00001 and 0.00001; ExAC 0.00001; gnomAD 0.00001; TOPMed 0.00001.
gnomAD v4.1: 7 of 1,613,170 alleles (0.00043%); highest among the groups gnomAD compares: African/African-American, 0.0013%; no homozygotes.

Submissions (2):

Labcorp Genetics (formerly Invitae), Labcorp
Classification: Benign for Kabuki syndrome. Last evaluated: 2022-07-19. Review status: criteria provided, single submitter. Criteria: Invitae Variant Classification Sherloc (09022015). Collection method: clinical testing. Allele origin: germline.

Centre for Mendelian Genomics, University Medical Centre Ljubljana
Classification: Uncertain significance for Kabuki syndrome 1. Last evaluated: 2018-10-17. Review status: criteria provided, single submitter. Criteria: ACMG Guidelines, 2015. Collection method: clinical testing. Allele origin: unknown. Affected: yes.
Comment: This variant was classified as: Uncertain significance. The available evidence on this variant's pathogenicity is insufficient or conflicting. The following ACMG criteria were applied in classifying this variant: No criteria apply.

NM_003482.4(KMT2D):c.1628C>T (p.Ser543Leu)

Gene: KMT2D (lysine methyltransferase 2D; minus strand). Cytogenetic location: 12q13.12.
Variant type: single nucleotide variant.
Coding change: c.1628C>T on transcript NM_003482.4 (MANE Select); coding-DNA position 1628, C replaced by T.
Protein change: p.Ser543Leu; replaces serine 543 with leucine.
Molecular consequence: missense variant.
Genome position (GRCh38, 1-based): chr12:49,052,055, G>A on the plus strand (C>T on the coding strand, the complement: KMT2D is on the minus strand). VCF-style: chr12-49052055-G-A. GRCh37 (hg19) VCF-style: chr12-49445838-G-A.
Other names: short protein forms S543L.
Identifiers: ClinVar variation 930826 (VCV000930826.7), dbSNP rs776242478, ClinGen allele CA6548450.